The following is an entry in ClinVar:

NM_018718.3(CEP41):c.1000G>A (p.Gly334Arg)

Gene: CEP41 (centrosomal protein 41; minus strand). Cytogenetic location: 7q32.2.
Variant type: single nucleotide variant.
Coding change: c.1000G>A on transcript NM_018718.3 (MANE Select); coding-DNA position 1000, G replaced by A.
Protein change: p.Gly334Arg; replaces glycine 334 with arginine.
Molecular consequence: missense variant. On other transcripts: non-coding transcript variant (1).
Genome position (GRCh38, 1-based): chr7:130,399,013, C>T on the plus strand (G>A on the coding strand, the complement: CEP41 is on the minus strand). VCF-style: chr7-130399013-C-T. GRCh37 (hg19) VCF-style: chr7-130038854-C-T.
Other names: c.784G>A, p.Gly262Arg (NM_001257158.2); c.736G>A, p.Gly246Arg (NM_001257159.2); short protein forms G246R, G262R, G334R.
Identifiers: ClinVar variation 1014451 (VCV001014451.9), dbSNP rs564625875, ClinGen allele CA4485411.

ClinVar aggregate classification (germline): Conflicting classifications of pathogenicity. Review status: criteria provided, conflicting classifications (1 of 4 stars). 5 submissions from 5 submitters: Uncertain significance (3); Likely benign (1). 1 of the submissions does not count toward it. Last evaluated 2024-07-12.

Conditions:
Joubert syndrome 15 (JBTS15). Identifiers: Orphanet 475, MedGen C3280897, MONDO:0013763, OMIM 614464.

Allele frequency attached by ClinVar (database versions not stated): gnomAD exomes 0.00003 and 0.00012; gnomAD 0.00006 and 0.00007; TOPMed 0.00008; ExAC 0.00012; 1000 Genomes Project 30x 0.00016; 1000 Genomes Project 0.00020.
gnomAD v4.1: 57 of 1,614,088 alleles (0.0035%); highest among the groups gnomAD compares: East Asian, 0.045%; no homozygotes.

Submissions (5):

Blueprint Genetics
Classification: Likely benign. Last evaluated: 2024-07-12. Review status: criteria provided, single submitter. Criteria: ACMG Guidelines, 2015. Collection method: clinical testing. Allele origin: germline.

Department of Pathology and Laboratory Medicine, Sinai Health System
Classification: Uncertain significance for Joubert syndrome 15. Last evaluated: 2022-10-17. Review status: criteria provided, single submitter. Criteria: ACMG Guidelines, 2015. Collection method: research. Allele origin: germline.

Labcorp Genetics (formerly Invitae), Labcorp
Classification: Uncertain significance for Joubert syndrome 15. Last evaluated: 2022-09-19. Review status: criteria provided, single submitter. Criteria: Invitae Variant Classification Sherloc (09022015). Collection method: clinical testing. Allele origin: germline.
Comment: This sequence change replaces glycine, which is neutral and non-polar, with arginine, which is basic and polar, at codon 334 of the CEP41 protein (p.Gly334Arg). This variant is present in population databases (rs564625875, gnomAD 0.1%). This variant has not been reported in the literature in individuals affected with CEP41-related conditions. ClinVar contains an entry for this variant (Variation ID: 1014451). Advanced modeling of protein sequence and biophysical properties (such as structural, functional, and spatial information, amino acid conservation, physicochemical variation, residue mobility, and thermodynamic stability) performed at Invitae indicates that this missense variant is not expected to disrupt CEP41 protein function. Algorithms developed to predict the effect of sequence changes on RNA splicing suggest that this variant may create or strengthen a splice site. In summary, the available evidence is currently insufficient to determine the role of this variant in disease. Therefore, it has been classified as a Variant of Uncertain Significance.

GeneDx
Classification: Uncertain significance. Last evaluated: 2020-07-15. Review status: criteria provided, single submitter. Criteria: GeneDx Variant Classification Process June 2021. Collection method: clinical testing. Allele origin: germline. Affected: yes.
Comment: In silico analysis supports that this missense variant does not alter protein structure/function; Has not been previously published as pathogenic or benign to our knowledge

Joe DiMaggio Children's Hospital, Memorial Healthcare System
Classification: Pathogenic for Joubert syndrome 15. Review status: no assertion criteria provided. Collection method: clinical testing. Allele origin: unknown. Inheritance: Autosomal recessive inheritance. Affected: yes. Observed: 1 compound heterozygote. Not counted in ClinVar's aggregate classification.
Comment: "CEP41 is mutated in Joubert syndrome and is required for tubulin glutamylation at the cilium" (Lee et al. 2012). Lee et al. (2012) reported 8 patients from 3 consanguineous families with Joubert syndrome. All patients had hypotonia, ataxia, psychomotor delay with mental retardation, and the molar tooth sign on brain imaging. Additionally, "Joubert syndrome-15 is an autosomal recessive developmental disorder characterized by ataxia, hypotonia, delayed psychomotor development, and variable mental retardation. Other features, such as polydactyly, breathing abnormalities, and oculomotor apraxia, are variable" (summary by Lee et al., 2012). The c.1000G>A variant in CEP41 been observed in compound heterozygosity with c.1037A>G. As a compound heterozygote in an individual with abnormal brain MRI findings, this variant is classified as pathogenic based on functional studies.

Literature cited by the submitters: PubMed 22246503 (cited by Joe DiMaggio Children's Hospital, Memorial Healthcare System).